The following is an entry in ClinVar:

ClinVar aggregate classification (germline): Uncertain significance (1 of 4 stars; one submission).

Submission:

Labcorp Genetics (formerly Invitae), Labcorp
Classification: Uncertain significance. Last evaluated: 2022-07-19. Review status: criteria provided, single submitter. Criteria: Invitae Variant Classification Sherloc (09022015). Collection method: clinical testing. Allele origin: germline.
Comment: In summary, the available evidence is currently insufficient to determine the role of this variant in disease. Therefore, it has been classified as a Variant of Uncertain Significance. Algorithms developed to predict the effect of missense changes on protein structure and function are either unavailable or do not agree on the potential impact of this missense change (SIFT: "Tolerated"; PolyPhen-2: "Possibly Damaging"; Align-GVGD: "Class C0"). This variant has not been reported in the literature in individuals affected with MRPL44-related conditions. This variant is not present in population databases (gnomAD no frequency). This sequence change replaces glutamic acid, which is acidic and polar, with aspartic acid, which is acidic and polar, at codon 295 of the MRPL44 protein (p.Glu295Asp).

NM_022915.5(MRPL44):c.885G>C (p.Glu295Asp)

Gene: MRPL44 (mitochondrial ribosomal protein L44; plus strand). Cytogenetic location: 2q36.1.
Variant type: single nucleotide variant.
Coding change: c.885G>C on transcript NM_022915.5 (MANE Select); coding-DNA position 885, G replaced by C.
Protein change: p.Glu295Asp; replaces glutamic acid 295 with aspartic acid.
Molecular consequence: missense variant.
Genome position (GRCh38, 1-based): chr2:223,966,920, G>C. VCF-style: chr2-223966920-G-C. GRCh37 (hg19) VCF-style: chr2-224831637-G-C.
Other names: short protein forms E295D.
Identifiers: ClinVar variation 1925427 (VCV001925427.5), dbSNP rs1574797542, ClinGen allele CA350809900.